The following is an entry in ClinVar:

ClinVar aggregate classification (germline): Uncertain significance (1 of 4 stars; one submission).

Conditions:
Muscular dystrophy-dystroglycanopathy (congenital with brain and eye anomalies), type a, 11 (MDDGA11). Also called: Congenital muscular dystrophy-dystroglycanopathy with brain and eye anomalies, type A11; WALKER-WARBURG SYNDROME OR MUSCLE-EYE-BRAIN DISEASE, B3GALNT2-RELATED; Muscular dystrophy-dystroglycanopathy (congenital with brain and eye anomalies, type A, 11. Identifiers: Orphanet 588, Orphanet 899, MedGen C3554638, MONDO:0014071, OMIM 615181.

Submission:

Labcorp Genetics (formerly Invitae), Labcorp
Classification: Uncertain significance for Muscular dystrophy-dystroglycanopathy (congenital with brain and eye anomalies), type a, 11. Last evaluated: 2022-04-19. Review status: criteria provided, single submitter. Criteria: Invitae Variant Classification Sherloc (09022015). Collection method: clinical testing. Allele origin: germline.
Comment: This sequence change replaces asparagine, which is neutral and polar, with histidine, which is basic and polar, at codon 119 of the B3GALNT2 protein (p.Asn119His). This variant is not present in population databases (gnomAD no frequency). This variant has not been reported in the literature in individuals affected with B3GALNT2-related conditions. Algorithms developed to predict the effect of missense changes on protein structure and function (SIFT, PolyPhen-2, Align-GVGD) all suggest that this variant is likely to be tolerated. In summary, the available evidence is currently insufficient to determine the role of this variant in disease. Therefore, it has been classified as a Variant of Uncertain Significance.

NM_152490.5(B3GALNT2):c.355A>C (p.Asn119His)

Gene: B3GALNT2 (beta-1,3-N-acetylgalactosaminyltransferase 2; minus strand). Cytogenetic location: 1q42.3.
Variant type: single nucleotide variant.
Coding change: c.355A>C on transcript NM_152490.5 (MANE Select); coding-DNA position 355, A replaced by C.
Protein change: p.Asn119His; replaces asparagine 119 with histidine.
Molecular consequence: missense variant.
Genome position (GRCh38, 1-based): chr1:235,489,174, T>G on the plus strand (A>C on the coding strand, the complement: B3GALNT2 is on the minus strand). VCF-style: chr1-235489174-T-G. GRCh37 (hg19) VCF-style: chr1-235652479-T-G.
Other names: c.478A>C, p.Asn160His (NM_001277155.3); short protein forms N119H, N160H.
Identifiers: ClinVar variation 2123256 (VCV002123256.4), dbSNP rs2527341484, ClinGen allele CA344928159.